The following is an entry in ClinVar:

NM_194454.3(KRIT1):c.1589T>C (p.Ile530Thr)

Gene: KRIT1 (KRIT1 ankyrin repeat containing; minus strand). Cytogenetic location: 7q21.2.
Variant type: single nucleotide variant.
Coding change: c.1589T>C on transcript NM_194454.3 (MANE Select); coding-DNA position 1589, T replaced by C.
Protein change: p.Ile530Thr; replaces isoleucine 530 with threonine.
Molecular consequence: missense variant.
Genome position (GRCh38, 1-based): chr7:92,214,752, A>G on the plus strand (T>C on the coding strand, the complement: KRIT1 is on the minus strand). VCF-style: chr7-92214752-A-G. GRCh37 (hg19) VCF-style: chr7-91844066-A-G.
Other names: c.1445T>C, p.Ile482Thr (NM_001350670.1, NM_001013406.2, NM_001350669.1); c.875T>C, p.Ile292Thr (NM_001350671.1); c.1589T>C, p.Ile530Thr (NM_001350672.1, NM_001350673.1, NM_001350674.1 and 26 more transcripts); short protein forms I530T, I482T, I292T.
Identifiers: ClinVar variation 4094664 (VCV004094664.2).
Genomic context (GRCh38, chr7:92,214,752, plus strand): 5'-TTAGCATCAGGAGCTGTATAAAAGCCCTTCAATAAATTATATCTGGCTTCATCAAAGAGA[A>G]TAAGAATAGCTAGTGGGTCTTCAATCTTAAAGGAAAAAGTATAATTTGGTTATTAGGCTA-3'
Protein context (NP_919436.1, residues 520-540): KQIEDPLAIL[Ile530Thr]LFDEARYNLL

ClinVar aggregate classification (germline): Uncertain significance. Review status: criteria provided, multiple submitters, no conflicts (2 of 4 stars). 2 submissions from 2 submitters: Uncertain significance (2). Last evaluated 2025-08-23.

Conditions:
KRIT1-related disorder. Also called: KRIT1-related disorders; KRIT1-related condition.
Inborn genetic diseases. Identifiers: MedGen C0950123, MeSH D030342.

Submissions (2):

Ambry Genetics
Classification: Uncertain significance for Inborn genetic diseases. Last evaluated: 2025-08-23. Review status: criteria provided, single submitter. Criteria: Ambry Variant Classification Scheme 2023. Collection method: clinical testing. Allele origin: germline.

PreventionGenetics, part of Exact Sciences
Classification: Uncertain significance for KRIT1-related condition. Last evaluated: 2024-10-18. Review status: criteria provided, single submitter. Criteria: ACMG Guidelines, 2015. Collection method: clinical testing. Allele origin: germline.
Comment: The KRIT1 c.1589T>C variant is predicted to result in the amino acid substitution p.Ile530Thr. To our knowledge, this variant has not been reported in the literature or in a large population database (gnomAD), indicating this variant is rare. At this time, the clinical significance of this variant is uncertain due to the absence of conclusive functional and genetic evidence.